The following is an entry in ClinVar:

NM_004656.4(BAP1):c.1936T>C (p.Tyr646His)

Gene: BAP1 (BRCA1 associated deubiquitinase 1; minus strand). Cytogenetic location: 3p21.1.
Variant type: single nucleotide variant.
Coding change: c.1936T>C on transcript NM_004656.4 (MANE Select); coding-DNA position 1936, T replaced by C.
Protein change: p.Tyr646His; replaces tyrosine 646 with histidine.
Molecular consequence: missense variant.
Genome position (GRCh38, 1-based): chr3:52,402,826, A>G on the plus strand (T>C on the coding strand, the complement: BAP1 is on the minus strand). VCF-style: chr3-52402826-A-G. GRCh37 (hg19) VCF-style: chr3-52436842-A-G.
Other names: c.1882T>C, p.Tyr628His (NM_001410772.1); short protein forms Y628H, Y646H.
Identifiers: ClinVar variation 4194787 (VCV004194787.2).

ClinVar aggregate classification (germline): Uncertain significance. Review status: criteria provided, multiple submitters, no conflicts (2 of 4 stars). 2 submissions from 2 submitters: Uncertain significance (2). Last evaluated 2025-09-15.

Conditions:
BAP1-related tumor predisposition syndrome (TPDS1). Also called: Tumor susceptibility linked to germline BAP1 mutations; COMMON Syndrome; TUMOR PREDISPOSITION SYNDROME 1; BAP1 tumor predisposition syndrome. Identifiers: Orphanet 289539, MedGen C3280492, MONDO:0013692, OMIM 614327.
Hereditary cancer-predisposing syndrome. Also called: Neoplastic Syndromes, Hereditary; Tumor predisposition; Hereditary Cancer Syndrome; Hereditary neoplastic syndrome. Identifiers: Orphanet 140162, MedGen C0027672, MeSH D009386, MONDO:0015356.

gnomAD v4.1: 1 of 1,614,060 alleles (0.000062%); highest among the groups gnomAD compares: Non-Finnish European, 0.000085%; no homozygotes.

Submissions (2):

Labcorp Genetics (formerly Invitae), Labcorp
Classification: Uncertain significance for BAP1-related tumor predisposition syndrome. Last evaluated: 2025-09-15. Review status: criteria provided, single submitter. Criteria: Invitae Variant Classification Sherloc (09022015). Collection method: clinical testing. Allele origin: germline.
Comment: This sequence change replaces tyrosine, which is neutral and polar, with histidine, which is basic and polar, at codon 646 of the BAP1 protein (p.Tyr646His). This variant is present in population databases (no rsID available, gnomAD 0.007%). This variant has not been reported in the literature in individuals affected with BAP1-related conditions. Invitae Evidence Modeling of protein sequence and biophysical properties (such as structural, functional, and spatial information, amino acid conservation, physicochemical variation, residue mobility, and thermodynamic stability) indicates that this missense variant is not expected to disrupt BAP1 protein function with a negative predictive value of 80%. In summary, the available evidence is currently insufficient to determine the role of this variant in disease. Therefore, it has been classified as a Variant of Uncertain Significance.

Ambry Genetics
Classification: Uncertain significance for Hereditary cancer-predisposing syndrome. Last evaluated: 2025-08-24. Review status: criteria provided, single submitter. Criteria: Ambry Variant Classification Scheme 2023. Collection method: clinical testing. Allele origin: germline.
Comment: The p.Y646H variant (also known as c.1936T>C), located in coding exon 15 of the BAP1 gene, results from a T to C substitution at nucleotide position 1936. The tyrosine at codon 646 is replaced by histidine, an amino acid with similar properties. This amino acid position is conserved. In addition, the in silico prediction for this alteration is inconclusive. Based on the available evidence, the clinical significance of this variant remains unclear.